The following is an entry in ClinVar:

NM_001101362.3(KBTBD13):c.209C>T (p.Pro70Leu)

Gene: KBTBD13 (kelch repeat and BTB domain containing 13; plus strand). Cytogenetic location: 15q22.31.
Variant type: single nucleotide variant.
Coding change: c.209C>T on transcript NM_001101362.3 (MANE Select); coding-DNA position 209, C replaced by T.
Protein change: p.Pro70Leu; replaces proline 70 with leucine.
Molecular consequence: missense variant.
Genome position (GRCh38, 1-based): chr15:65,077,024, C>T. VCF-style: chr15-65077024-C-T. GRCh37 (hg19) VCF-style: chr15-65369362-C-T.
Other names: short protein forms P70L.
Identifiers: ClinVar variation 451407 (VCV000451407.10), dbSNP rs766269932, ClinGen allele CA392858732.

ClinVar aggregate classification (germline): Uncertain significance. Review status: criteria provided, multiple submitters, no conflicts (2 of 4 stars). 3 submissions from 3 submitters: Uncertain significance (3). Last evaluated 2024-10-29.

Conditions:
Nemaline myopathy 6 (NEM6). Also called: Nemaline myopathy 6, autosomal dominant. Identifiers: Orphanet 171439, MedGen C1836472, MONDO:0012237, OMIM 609273.
Inborn genetic diseases. Identifiers: MedGen C0950123, MeSH D030342.

Allele frequency attached by ClinVar (database versions not stated): TOPMed 0.00002.

Submissions (3):

Labcorp Genetics (formerly Invitae), Labcorp
Classification: Uncertain significance for Nemaline myopathy 6. Last evaluated: 2024-10-29. Review status: criteria provided, single submitter. Criteria: Invitae Variant Classification Sherloc (09022015). Collection method: clinical testing. Allele origin: germline.
Comment: This sequence change replaces proline, which is neutral and non-polar, with leucine, which is neutral and non-polar, at codon 70 of the KBTBD13 protein (p.Pro70Leu). This variant is not present in population databases (gnomAD no frequency). This variant has not been reported in the literature in individuals affected with KBTBD13-related conditions. ClinVar contains an entry for this variant (Variation ID: 451407). Invitae Evidence Modeling of protein sequence and biophysical properties (such as structural, functional, and spatial information, amino acid conservation, physicochemical variation, residue mobility, and thermodynamic stability) indicates that this missense variant is not expected to disrupt KBTBD13 protein function with a negative predictive value of 80%. In summary, the available evidence is currently insufficient to determine the role of this variant in disease. Therefore, it has been classified as a Variant of Uncertain Significance.

Ambry Genetics
Classification: Uncertain significance for Inborn genetic diseases. Last evaluated: 2021-07-06. Review status: criteria provided, single submitter. Criteria: Ambry Variant Classification Scheme 2023. Collection method: clinical testing. Allele origin: germline.

GeneDx
Classification: Uncertain significance. Last evaluated: 2017-08-21. Review status: criteria provided, single submitter. Criteria: GeneDx Variant Classification (06012015). Collection method: clinical testing. Allele origin: germline. Affected: yes.
Comment: The P70L variant in the KBTBD13 gene has not been reported previously as a pathogenic variant, nor as a benign variant, to our knowledge. Adequate data is not available in large population cohorts to assess the frequency of this variant in publicly available databases; however, this variant has been detected in 1/78584 (0.0015) alleles in presumably healthy individuals tested at GeneDx. The P70L variant is a semi-conservative amino acid substitution, which may impact secondary protein structure as these residues differ in some properties. This substitution occurs at a position that is not conserved, however, in silico analysis predicts this variant is probably damaging to the protein structure/function. We interpret P70L as a variant of uncertain significance.